The following is an entry in ClinVar:

ClinVar aggregate classification (germline): Uncertain significance (1 of 4 stars; one submission).

Conditions:
Hereditary cancer-predisposing syndrome. Also called: Tumor predisposition; Hereditary Cancer Syndrome; Hereditary neoplastic syndrome; Neoplastic Syndromes, Hereditary. Identifiers: Orphanet 140162, MedGen C0027672, MeSH D009386, MONDO:0015356.

Submission:

Ambry Genetics
Classification: Uncertain significance for Hereditary cancer-predisposing syndrome. Last evaluated: 2024-06-13. Review status: criteria provided, single submitter. Criteria: Ambry Variant Classification Scheme 2023. Collection method: clinical testing. Allele origin: germline.
Comment: The p.R755M variant (also known as c.2264G>T), located in coding exon 15 of the APC gene, results from a G to T substitution at nucleotide position 2264. The arginine at codon 755 is replaced by methionine, an amino acid with similar properties. This amino acid position is conserved. In addition, in silico predictors for this gene do not accurately predict pathogenicity. Based on the available evidence, the clinical significance of this variant remains unclear.

NM_000038.6(APC):c.2264G>T (p.Arg755Met)

Gene: APC (APC regulator of Wnt signaling pathway; plus strand). Cytogenetic location: 5q22.2.
Variant type: single nucleotide variant.
Coding change: c.2264G>T on transcript NM_000038.6 (MANE Select); coding-DNA position 2264, G replaced by T.
Protein change: p.Arg755Met; replaces arginine 755 with methionine.
Molecular consequence: missense variant. On other transcripts: non-coding transcript variant (2).
Genome position (GRCh38, 1-based): chr5:112,837,858, G>T. VCF-style: chr5-112837858-G-T. GRCh37 (hg19) VCF-style: chr5-112173555-G-T.
Other names: c.2264G>T, p.Arg755Met (NM_001127510.3, NM_001354895.2, NM_001407450.1); c.2210G>T, p.Arg737Met (NM_001127511.3); c.2318G>T, p.Arg773Met (NM_001354896.2, NM_001407447.1, NM_001407448.1 and 1 more transcripts); c.2294G>T, p.Arg765Met (NM_001354897.2); c.2189G>T, p.Arg730Met (NM_001354898.2); c.2180G>T, p.Arg727Met (NM_001354899.2); c.2141G>T, p.Arg714Met (NM_001354900.2); c.2087G>T, p.Arg696Met (NM_001354901.2, NM_001407453.1); and 11 more; short protein forms R371M, R472M, R654M, R696M, R714M, R783M, R672M, R765M.
Identifiers: ClinVar variation 3305825 (VCV003305825.1).
Genomic context (GRCh38, chr5:112,837,858, plus strand): 5'-CGAAGTACAAGGATGCCAATATTATGTCTCCTGGCTCAAGCTTGCCATCTCTTCATGTTA[G>T]GAAACAAAAAGCCCTAGAAGCAGAATTAGATGCTCAGCACTTATCAGAAACTTTTGACAA-3'
Protein context (NP_000029.2, residues 745-765): PGSSLPSLHV[Arg755Met]KQKALEAELD